The following is an entry in ClinVar:

ClinVar aggregate classification (germline): Conflicting classifications of pathogenicity. Review status: criteria provided, conflicting classifications (1 of 4 stars). 5 submissions from 5 submitters: Likely pathogenic (2); Uncertain significance (1). 2 of the submissions do not count toward it. Last evaluated 2025-05-10.

Conditions:
Medium-chain acyl-coenzyme A dehydrogenase deficiency (ACADMD). Also called: MCAD Deficiency; ACADM DEFICIENCY; MCADD; Medium chain acyl-CoA dehydrogenase deficiency; CARNITINE DEFICIENCY SECONDARY TO MEDIUM-CHAIN ACYL-CoA DEHYDROGENASE DEFICIENCY; MCADH DEFICIENCY. Identifiers: Orphanet 42, MedGen C0220710, MONDO:0008721, OMIM 201450.

Allele frequency attached by ClinVar (database versions not stated): gnomAD 0.00001; gnomAD exomes 0.00001; TOPMed 0.00001.
gnomAD v4.1: 19 of 1,608,030 alleles (0.0012%); highest among the groups gnomAD compares: Non-Finnish European, 0.0014%; no homozygotes.

Submissions (6):

Labcorp Genetics (formerly Invitae), Labcorp
Classification: Likely pathogenic for Medium-chain acyl-coenzyme A dehydrogenase deficiency. Last evaluated: 2025-05-10. Review status: criteria provided, single submitter. Criteria: Invitae Variant Classification Sherloc (09022015). Collection method: clinical testing. Allele origin: germline.
Comment: This sequence change falls in intron 7 of the ACADM gene. It does not directly change the encoded amino acid sequence of the ACADM protein. It affects a nucleotide within the consensus splice site. The frequency data for this variant in the population databases is considered unreliable, as metrics indicate poor data quality at this position in the gnomAD database. This variant has been observed in individual(s) with medium chain acyl-CoA dehydrogenase deficiency (internal data). In at least one individual the data is consistent with being in trans (on the opposite chromosome) from a pathogenic variant. ClinVar contains an entry for this variant (Variation ID: 226070). Variants that disrupt the consensus splice site are a relatively common cause of aberrant splicing (PMID: 17576681, 9536098). Algorithms developed to predict the effect of sequence changes on RNA splicing suggest that this variant is not likely to affect RNA splicing. In summary, the currently available evidence indicates that the variant is pathogenic, but additional data are needed to prove that conclusively. Therefore, this variant has been classified as Likely Pathogenic.

Fulgent Genetics
Classification: Likely pathogenic for Medium-chain acyl-coenzyme A dehydrogenase deficiency. Last evaluated: 2024-01-20. Review status: criteria provided, single submitter. Criteria: ACMG Guidelines, 2015. Collection method: clinical testing. Allele origin: germline.

ARUP Laboratories, Molecular Genetics and Genomics, ARUP Laboratories
Classification: Uncertain significance for Medium-chain acyl-coenzyme A dehydrogenase deficiency. Last evaluated: 2019-07-22. Review status: criteria provided, single submitter. Criteria: ARUP Molecular Germline Variant Investigation Process. Collection method: clinical testing. Allele origin: germline.

Natera, Inc.
Classification: Uncertain significance for Medium Chain Acyl-CoA Dehydrogenase Deficiency. Last evaluated: 2018-07-06. Review status: no assertion criteria provided. Collection method: clinical testing. Allele origin: germline. Not counted in ClinVar's aggregate classification.

Counsyl
Classification: Uncertain significance for Medium-chain acyl-coenzyme A dehydrogenase deficiency. Last evaluated: 2018-01-03. Review status: no assertion criteria provided. Collection method: clinical testing. Allele origin: unknown. Not counted in ClinVar's aggregate classification.

Dr. Peter K. Rogan Lab, Western University
No classification provided (evidence only). Condition: Ovarian serous cystadenocarcinoma. Review status: no classification provided. Collection method: in vitro. Allele origin: not applicable. Functional consequence: retained intron. Not counted in ClinVar's aggregate classification.

Literature cited by the submitters: PubMed 17576681 (cited by Labcorp Genetics (formerly Invitae), Labcorp); PubMed 9536098 (cited by Labcorp Genetics (formerly Invitae), Labcorp).

NM_000016.6(ACADM):c.599+5G>A

Gene: ACADM (acyl-CoA dehydrogenase medium chain; plus strand). Cytogenetic location: 1p31.1.
Variant type: single nucleotide variant.
Coding change: c.599+5G>A on transcript NM_000016.6 (MANE Select); 5 bases into the intron after coding-DNA position 599, G replaced by A.
Molecular consequence: intron variant.
Genome position (GRCh38, 1-based): chr1:75,740,115, G>A. VCF-style: chr1-75740115-G-A. GRCh37 (hg19) VCF-style: chr1-76205800-G-A.
Other names: c.611+5G>A (NM_001127328.3); c.698+5G>A (NM_001286043.2); c.491+5G>A (NM_001286042.2); c.32+5G>A (NM_001286044.2).
Identifiers: ClinVar variation 226070 (VCV000226070.20), dbSNP rs875989861, ClinGen allele CA10576234.